The following is an entry in ClinVar:

ClinVar aggregate classification (germline): Uncertain significance (1 of 4 stars; one submission).

Conditions:
Achondrogenesis, type IB (ACG1B). Also called: Achondrogenesis Type 1B. Identifiers: Orphanet 932, Orphanet 93298, MedGen C0265274, MONDO:0010966, OMIM 600972.

Submission:

Prenatal Diagnosis Unit, University Medical Center at Ho Chi Minh City, University of Medicine and Pharmacy at Ho Chi Minh City
Classification: Uncertain significance for Achondrogenesis, type IB. Last evaluated: 2026-01-05. Review status: criteria provided, single submitter. Criteria: ACMG Guidelines, 2015. Collection method: provider interpretation. Allele origin: unknown. Inheritance: Autosomal recessive inheritance. Affected: no. Observed: 1 variant allele.
Comment: This missense variant has not been reported in individuals with SLC26A2-related skeletal anomalies, except in the present case. The variant is also absent from population databases (gnomAD; no allele frequency reported). In silico prediction tools, including PolyPhen-2 and PhyloP100, suggest a deleterious effect of this missense change. Therefore, according to the ACMG/AMP 2015 guidelines, this variant is classified as a variant of uncertain significance (VUS) based on the PM2 and PP3 criteria

NM_000112.4(SLC26A2):c.818T>C (p.Leu273Pro)

Gene: SLC26A2 (solute carrier family 26 member 2; plus strand). Cytogenetic location: 5q32.
Variant type: single nucleotide variant.
Coding change: c.818T>C on transcript NM_000112.4 (MANE Select); coding-DNA position 818, T replaced by C.
Protein change: p.Leu273Pro; replaces leucine 273 with proline.
Molecular consequence: missense variant.
Genome position (GRCh38, 1-based): chr5:149,980,411, T>C. VCF-style: chr5-149980411-T-C. GRCh37 (hg19) VCF-style: chr5-149359974-T-C.
Other names: short protein forms L273P.
Identifiers: ClinVar variation 4684998 (VCV004684998.1).